The following is an entry in ClinVar:

NM_000836.4(GRIN2D):c.2924T>G (p.Leu975Arg)

Gene: GRIN2D (glutamate ionotropic receptor NMDA type subunit 2D; plus strand). Cytogenetic location: 19q13.33.
Variant type: single nucleotide variant.
Coding change: c.2924T>G on transcript NM_000836.4 (MANE Select); coding-DNA position 2924, T replaced by G.
Protein change: p.Leu975Arg; replaces leucine 975 with arginine.
Molecular consequence: missense variant.
Genome position (GRCh38, 1-based): chr19:48,442,850, T>G. VCF-style: chr19-48442850-T-G. GRCh37 (hg19) VCF-style: chr19-48946107-T-G.
Other names: short protein forms L975R.
Identifiers: ClinVar variation 4705588 (VCV004705588.1).
Genomic context (GRCh38, chr19:48,442,850, plus strand): 5'-CGGGCCTGGCCGACGGCTTCCACCGCTACTACGGCCCCATCGAGCCGCAGGGCCTAGGCC[T>G]CGGCCTGGGCGAAGCGCGCGCGGCACCGCGGGGCGCAGCCGGGCGCCCGCTGTCCCCGCC-3'
Protein context (NP_000827.2, residues 965-985): YGPIEPQGLG[Leu975Arg]GLGEARAAPR

ClinVar aggregate classification (germline): Uncertain significance (1 of 4 stars; one submission).

gnomAD v4.1: 83 of 1,078,922 alleles (0.0077%); highest among the groups gnomAD compares: Non-Finnish European, 0.0091%; no homozygotes.

Submission:

Labcorp Genetics (formerly Invitae), Labcorp
Classification: Uncertain significance. Last evaluated: 2025-11-05. Review status: criteria provided, single submitter. Criteria: Invitae Variant Classification Sherloc (09022015). Collection method: clinical testing. Allele origin: germline.
Comment: This sequence change replaces leucine, which is neutral and non-polar, with arginine, which is basic and polar, at codon 975 of the GRIN2D protein (p.Leu975Arg). The frequency data for this variant in the population databases is considered unreliable, as metrics indicate insufficient coverage at this position in the gnomAD database. This variant has not been reported in the literature in individuals affected with GRIN2D-related conditions. Invitae Evidence Modeling of protein sequence and biophysical properties (such as structural, functional, and spatial information, amino acid conservation, physicochemical variation, residue mobility, and thermodynamic stability) indicates that this missense variant is not expected to disrupt GRIN2D protein function with a negative predictive value of 95%. In summary, the available evidence is currently insufficient to determine the role of this variant in disease. Therefore, it has been classified as a Variant of Uncertain Significance.